The following is an entry in ClinVar:

NM_003074.4(SMARCC1):c.1297C>T (p.Arg433Ter)

Gene: SMARCC1 (SWI/SNF related BAF chromatin remodeling complex subunit C1; minus strand). Cytogenetic location: 3p21.31.
Variant type: single nucleotide variant.
Coding change: c.1297C>T on transcript NM_003074.4 (MANE Select); coding-DNA position 1297, C replaced by T.
Protein change: p.Arg433Ter; replaces arginine 433 with a stop codon.
Molecular consequence: nonsense.
Genome position (GRCh38, 1-based): chr3:47,686,137, G>A on the plus strand (C>T on the coding strand, the complement: SMARCC1 is on the minus strand). VCF-style: chr3-47686137-G-A. GRCh37 (hg19) VCF-style: chr3-47727627-G-A.
Other names: short protein forms R433*.
Identifiers: ClinVar variation 3359116 (VCV003359116.16).
Genomic context (GRCh38, chr3:47,686,137, plus strand): 5'-TAGGAATAATAATGTGATTGGTCTGCTCTGTCACATTATCTTCCCCAAGGTCAACTGATC[G>A]ACTCTGATCACCTTTGGCAGGATCTTCATCTTCCTATAGAAAAGAAGACAAAGTTCAAAG-3'

ClinVar aggregate classification (germline): Pathogenic/Likely pathogenic. Review status: criteria provided, multiple submitters, no conflicts (2 of 4 stars). 2 submissions from 2 submitters: Pathogenic (1); Likely pathogenic (1). Last evaluated 2024-11-01.

Conditions:
Hydrocephalus, congenital, 5, susceptibility to (HYC5). Identifiers: MedGen C5830272, MONDO:0859376, OMIM 620241.

Submissions (2):

CeGaT Center for Human Genetics Tuebingen
Classification: Likely pathogenic. Last evaluated: 2024-11-01. Review status: criteria provided, single submitter. Criteria: CeGaT Center For Human Genetics Tuebingen Variant Classification Criteria Version 2. Collection method: clinical testing. Allele origin: germline. Affected: yes. Observed: 2 variant alleles.
Comment: SMARCC1: PVS1:Strong, PM2

Institute of Human Genetics, University of Leipzig Medical Center
Classification: Pathogenic for Hydrocephalus, congenital, 5, susceptibility to. Last evaluated: 2023-05-03. Review status: criteria provided, single submitter. Criteria: ACMG Guidelines, 2015. Collection method: clinical testing. Allele origin: de novo. Inheritance: Autosomal dominant inheritance. Affected: yes.
Comment: Criteria applied: PVS1,PS2,PM2_SUP